The following is an entry in ClinVar:

NM_013450.4(BAZ2B):c.2125T>G (p.Cys709Gly)

Gene: BAZ2B (bromodomain adjacent to zinc finger domain 2B; minus strand). Cytogenetic location: 2q24.2.
Variant type: single nucleotide variant.
Coding change: c.2125T>G on transcript NM_013450.4 (MANE Select); coding-DNA position 2125, T replaced by G.
Protein change: p.Cys709Gly; replaces cysteine 709 with glycine.
Molecular consequence: missense variant.
Genome position (GRCh38, 1-based): chr2:159,430,932, A>C on the plus strand (T>G on the coding strand, the complement: BAZ2B is on the minus strand). VCF-style: chr2-159430932-A-C. GRCh37 (hg19) VCF-style: chr2-160287443-A-C.
Other names: NC_000002.11:g.160287443A>C; c.2119T>G, p.Cys707Gly (NM_001289975.1); c.1936T>G, p.Cys646Gly (NM_001329857.2); c.2125T>G, p.Cys709Gly (NM_001329858.2); c.2125T>G (NM_013450.2); short protein forms C646G, C707G, C709G.
Identifiers: ClinVar variation 730664 (VCV000730664.7), dbSNP rs200904019, ClinGen allele CA1924766.

ClinVar aggregate classification (germline): Likely benign. Review status: criteria provided, multiple submitters, no conflicts (2 of 4 stars). 3 submissions from 3 submitters: Likely benign (2). 1 of the submissions does not count toward it. Last evaluated 2025-02-10.

Conditions:
BAZ2B-related disorder. Also called: BAZ2B-related condition.
Inborn genetic diseases. Identifiers: MedGen C0950123, MeSH D030342.

Allele frequency attached by ClinVar (database versions not stated): 1000 Genomes Project 30x 0.00109; TOPMed 0.00211; gnomAD 0.00180 and 0.00197; 1000 Genomes Project 0.00120; ESP Exome Variant Server 0.00165.
gnomAD v4.1: 542 of 1,614,034 alleles (0.034%); highest among the groups gnomAD compares: African/African-American, 0.66%; 2 homozygotes.

Submissions (4):

Ambry Genetics
Classification: Likely benign for Inborn genetic diseases. Last evaluated: 2025-02-10. Review status: criteria provided, single submitter. Criteria: Ambry Variant Classification Scheme 2023. Collection method: clinical testing. Allele origin: germline.

Labcorp Genetics (formerly Invitae), Labcorp
Classification: Likely benign. Last evaluated: 2018-03-29. Review status: criteria provided, single submitter. Criteria: Invitae Variant Classification Sherloc (09022015). Collection method: clinical testing. Allele origin: germline.

PreventionGenetics, part of Exact Sciences
Classification: Likely benign for BAZ2B-related condition. Last evaluated: 2019-05-24. Review status: no assertion criteria provided. Collection method: clinical testing. Allele origin: germline. Not counted in ClinVar's aggregate classification.
Comment: This variant is classified as likely benign based on ACMG/AMP sequence variant interpretation guidelines (Richards et al. 2015 PMID: 25741868, with internal and published modifications).

Dr. Peter K. Rogan Lab, Western University
No classification provided (evidence only). Condition: Colon adenocarcinoma. Review status: no classification provided. Collection method: in vitro. Allele origin: not applicable. Functional consequence: skipped exon. Not counted in ClinVar's aggregate classification.